The following is an entry in ClinVar:

ClinVar aggregate classification (germline): Uncertain significance (1 of 4 stars; one submission).

Conditions:
Neurofibromatosis, type 1 (NF1). Also called: Peripheral type neurofibromatosis; VON RECKLINGHAUSEN DISEASE; NEUROFIBROMATOSIS, TYPE I, SOMATIC; Neurofibromatosis, type I. Identifiers: Orphanet 636, MedGen C0027831, MONDO:0018975, OMIM 162200. Disease mechanism: loss of function.

Submission:

Labcorp Genetics (formerly Invitae), Labcorp
Classification: Uncertain significance for Neurofibromatosis, type 1. Last evaluated: 2022-08-27. Review status: criteria provided, single submitter. Criteria: Invitae Variant Classification Sherloc (09022015). Collection method: clinical testing. Allele origin: germline.
Comment: This variant is not present in population databases (gnomAD no frequency). This variant has not been reported in the literature in individuals affected with NF1-related conditions. This sequence change replaces phenylalanine, which is neutral and non-polar, with leucine, which is neutral and non-polar, at codon 2215 of the NF1 protein (p.Phe2215Leu). Algorithms developed to predict the effect of missense changes on protein structure and function are either unavailable or do not agree on the potential impact of this missense change (SIFT: "Tolerated"; PolyPhen-2: "Probably Damaging"; Align-GVGD: "Class C0"). Algorithms developed to predict the effect of sequence changes on RNA splicing suggest that this variant may disrupt the consensus splice site. In summary, the available evidence is currently insufficient to determine the role of this variant in disease. Therefore, it has been classified as a Variant of Uncertain Significance.

NM_001042492.3(NF1):c.6706T>C (p.Phe2236Leu)

Gene: NF1 (neurofibromin 1; plus strand). Cytogenetic location: 17q11.2.
Variant type: single nucleotide variant.
Coding change: c.6706T>C on transcript NM_001042492.3 (MANE Select); coding-DNA position 6706, T replaced by C.
Protein change: p.Phe2236Leu; replaces phenylalanine 2236 with leucine.
Molecular consequence: missense variant.
Genome position (GRCh38, 1-based): chr17:31,338,026, T>C. VCF-style: chr17-31338026-T-C. GRCh37 (hg19) VCF-style: chr17-29665044-T-C.
Other names: c.6643T>C, p.Phe2215Leu (NM_000267.4); short protein forms F2215L, F2236L.
Identifiers: ClinVar variation 1718139 (VCV001718139.5), dbSNP rs2151558031, ClinGen allele CA399013977.